The following is an entry in ClinVar:

ClinVar aggregate classification (germline): Conflicting classifications of pathogenicity. Review status: criteria provided, conflicting classifications (1 of 4 stars). 8 submissions from 8 submitters: Pathogenic (2); Likely pathogenic (1); Uncertain significance (5). Last evaluated 2026-08-24.

Conditions:
SPG11-related disorder. Also called: SPG11-related condition.
Hereditary spastic paraplegia. Also called: Familial spastic paraparesis. Identifiers: Orphanet 685, MedGen C0037773, MONDO:0019064. Disease mechanism: loss of function.
Hereditary spastic paraplegia 11. Also called: Spastic paraplegia, mental retardation and thin corpus callosum; SPASTIC PARAPLEGIA, AUTOSOMAL RECESSIVE, COMPLICATED, WITH THIN CORPUS CALLOSUM; SPASTIC PARAPLEGIA, AUTOSOMAL RECESSIVE, WITH MENTAL IMPAIRMENT AND THIN CORPUS CALLOSUM; Spastic Paraplegia 11; Nakamura Osame syndrome; Autosomal recessive hereditary spastic paraplegia, mental impairment, and thin corpus callosum. Identifiers: Orphanet 2822, MedGen C1858479, MONDO:0011445, OMIM 604360.

Allele frequency attached by ClinVar (database versions not stated): gnomAD exomes 0.00001 and 0.00002; ExAC 0.00004; gnomAD 0.00015 and 0.00017; TOPMed 0.00017; ESP Exome Variant Server 0.00023.
gnomAD v4.1: 39 of 1,613,420 alleles (0.0024%); highest among the groups gnomAD compares: African/African-American, 0.051%; no homozygotes.

Submissions (8):

PreventionGenetics, part of Exact Sciences
Classification: Uncertain significance for SPG11-related condition. Last evaluated: 2026-08-24. Review status: criteria provided, single submitter. Criteria: ACMG Guidelines, 2015. Collection method: clinical testing. Allele origin: germline.
Comment: The SPG11 c.667+5C>T variant is predicted to interfere with splicing. To our knowledge, this variant has not been reported in the literature. This variant is reported in 0.036% of alleles in individuals of African descent in gnomAD. Although we suspect that this variant may be pathogenic, at this time, the clinical significance of this variant is uncertain due to the absence of conclusive functional and genetic evidence.

Labcorp Genetics (formerly Invitae), Labcorp
Classification: Pathogenic for Hereditary spastic paraplegia 11. Last evaluated: 2026-01-25. Review status: criteria provided, single submitter. Criteria: Invitae Variant Classification Sherloc (09022015). Collection method: clinical testing. Allele origin: germline.
Comment: This sequence change falls in intron 3 of the SPG11 gene. It does not directly change the encoded amino acid sequence of the SPG11 protein. It affects a nucleotide within the consensus splice site. This variant is present in population databases (rs375485062, gnomAD 0.05%). This variant has been observed in individual(s) with hereditary spastic paraplegia (internal data). In at least one individual the data is consistent with being in trans (on the opposite chromosome) from a pathogenic variant. ClinVar contains an entry for this variant (Variation ID: 466560). Variants that disrupt the consensus splice site are a relatively common cause of aberrant splicing (PMID: 17576681, 9536098). Algorithms developed to predict the effect of sequence changes on RNA splicing suggest that this variant is not likely to affect RNA splicing. For these reasons, this variant has been classified as Pathogenic.

Women's Health and Genetics/Laboratory Corporation of America, LabCorp
Classification: Pathogenic for Hereditary spastic paraplegia. Last evaluated: 2025-05-29. Review status: criteria provided, single submitter. Criteria: LabCorp Variant Classification Summary - May 2015. Collection method: clinical testing. Allele origin: germline.
Comment: Variant summary: SPG11 c.667+5C>T alters a conserved nucleotide located close to a canonical splice site and therefore could affect mRNA splicing, leading to a significantly altered protein sequence. Consensus agreement among computation tools predict no significant impact on normal splicing. However, these predictions have yet to be confirmed by functional studies. The variant allele was found at a frequency of 2.4e-05 in 251266 control chromosomes, predominantly at a frequency of 0.00037 within the African or African-American subpopulation in the gnomAD database. c.667+5C>T has been observed in multiple individuals affected with Hereditary Spastic Paraplegia, Type 11 (internal data). These data indicate that the variant is very likely to be associated with disease. To our knowledge, no experimental evidence demonstrating an impact on protein function has been reported. ClinVar contains an entry for this variant (Variation ID: 466560). Based on the evidence outlined above, the variant was classified as pathogenic.

GeneDx
Classification: Uncertain significance. Last evaluated: 2025-01-06. Review status: criteria provided, single submitter. Criteria: GeneDx Variant Classification Process June 2021. Collection method: clinical testing. Allele origin: germline. Affected: yes.
Comment: In silico analysis indicates that this variant does not alter splicing; Has not been previously published as pathogenic or benign to our knowledge

Athena Diagnostics
Classification: Uncertain significance. Last evaluated: 2025-01-02. Review status: criteria provided, single submitter. Criteria: Athena Diagnostics Criteria. Collection method: clinical testing. Allele origin: unknown.
Comment: Available data are insufficient to determine the clinical significance of the variant at this time. The frequency of this variant in the general population is uninformative in assessment of its pathogenicity. This variant has been identified in multiple unrelated individuals with clinical features associated with autosomal recessive spastic paraplegia. Computational tools yielded inconclusive predictions regarding the effect of this variant on RNA splicing. In multiple individuals, this variant has been seen with a single recessive pathogenic variant in the same gene, suggesting this variant may also be pathogenic.

Blueprint Genetics
Classification: Uncertain significance. Last evaluated: 2021-10-08. Review status: criteria provided, single submitter. Criteria: ACMG Guidelines, 2015. Collection method: clinical testing. Allele origin: germline.

Laboratorio de Genetica e Diagnostico Molecular, Hospital Israelita Albert Einstein
Classification: Likely pathogenic for Hereditary spastic paraplegia 11. Last evaluated: 2021-09-25. Review status: criteria provided, single submitter. Criteria: ACMG Guidelines, 2015. Collection method: clinical testing. Allele origin: germline. Affected: yes.
Comment: ACMG classification criteria: PS4 supporting, PM2 moderate, PM3 moderate, PP1 supporting

Eurofins Ntd Llc (ga)
Classification: Uncertain significance. Last evaluated: 2017-01-20. Review status: criteria provided, single submitter. Criteria: EGL Classification Definitions 2015. Collection method: clinical testing. Allele origin: germline. Observed: 1 variant allele, 1 heterozygote.

Literature cited by the submitters: PubMed 17576681 (cited by Labcorp Genetics (formerly Invitae), Labcorp); PubMed 9536098 (cited by Labcorp Genetics (formerly Invitae), Labcorp).

NM_025137.4(SPG11):c.667+5C>T

Gene: SPG11 (SPG11 vesicle trafficking associated, spatacsin; minus strand). Cytogenetic location: 15q21.1.
Variant type: single nucleotide variant.
Coding change: c.667+5C>T on transcript NM_025137.4 (MANE Select); 5 bases into the intron after coding-DNA position 667, C replaced by T.
Molecular consequence: intron variant.
Genome position (GRCh38, 1-based): chr15:44,659,074, G>A on the plus strand (C>T on the coding strand, the complement: SPG11 is on the minus strand). VCF-style: chr15-44659074-G-A. GRCh37 (hg19) VCF-style: chr15-44951272-G-A.
Other names: c.667+5C>T (NM_001160227.2).
Identifiers: ClinVar variation 466560 (VCV000466560.21), dbSNP rs375485062, ClinGen allele CA7535775.
Genomic context (GRCh38, chr15:44,659,074, plus strand): 5'-AGGCTCATCTTTATAGGTGTTCTTCTCCTCTACGTATCAATCAACACTTCTACCACCAAG[G>A]ATACAGATCCAGCCTAAACTACTCAAAACAAAAAGAATTCCTCTGCAGAGCTGCGTGTCA-3'